The following is an entry in ClinVar:

NM_206933.4(USH2A):c.3809del (p.Asn1270fs)

Genes: USH2A (usherin; minus strand), USH2A-AS1 (USH2A antisense RNA 1; plus strand). Cytogenetic location: 1q41.
Variant type: Deletion.
Coding change: c.3809del on transcript NM_206933.4 (MANE Select); coding-DNA position 3809, one base deleted (A; older notation c.3809delA).
Protein change: p.Asn1270fs; shifts the reading frame from asparagine 1270.
Molecular consequence: frameshift variant.
Genome position (GRCh38, 1-based): chr1:216,199,629, T deleted on the plus strand (A on the coding strand, the reverse complement: USH2A is on the minus strand); the first of 3 consecutive T bases (chr1:216,199,629-216,199,631); deleting any one gives the same sequence. VCF-style (leftmost placement, unchanged base first): chr1-216199628-AT-A. GRCh37 (hg19) VCF-style: chr1-216372970-AT-A.
Other names: c.3809del, p.Asn1270fs (NM_007123.6); short protein forms N1270fs.
Identifiers: ClinVar variation 2115882 (VCV002115882.4), dbSNP rs2528045084, ClinGen allele CA2580062134.
Genomic context (GRCh38, chr1:216,199,628, plus strand): 5'-ACAATAGATTCTCATTCATGTCTTGACCAAAAAGGGGAATCTCAGCCTTGGATTCTTACC[AT>A]TTAGTTCCGCTGGTGGAGACCATTCTACATGAAGTTCTGTAGAACTGATTTTCTGCATCT-3'

ClinVar aggregate classification (germline): Pathogenic (1 of 4 stars; one submission).

Submission:

Labcorp Genetics (formerly Invitae), Labcorp
Classification: Pathogenic. Last evaluated: 2022-05-18. Review status: criteria provided, single submitter. Criteria: Invitae Variant Classification Sherloc (09022015). Collection method: clinical testing. Allele origin: germline.
Comment: For these reasons, this variant has been classified as Pathogenic. This variant has not been reported in the literature in individuals affected with USH2A-related conditions. This variant is not present in population databases (gnomAD no frequency). This sequence change creates a premature translational stop signal (p.Asn1270Metfs*3) in the USH2A gene. It is expected to result in an absent or disrupted protein product. Loss-of-function variants in USH2A are known to be pathogenic (PMID: 10729113, 10909849, 20507924, 25649381).

Literature cited by the submitters: PubMed 10729113; PubMed 10909849; PubMed 20507924; PubMed 25649381.